The following is an entry in ClinVar:

ClinVar aggregate classification (germline): Uncertain significance (1 of 4 stars; one submission).

Conditions:
Adams-Oliver syndrome 5 (AOS5). Identifiers: Orphanet 974, MedGen C4014970, MONDO:0014459, OMIM 616028.

Submission:

Labcorp Genetics (formerly Invitae), Labcorp
Classification: Uncertain significance for Adams-Oliver syndrome 5. Last evaluated: 2017-01-16. Review status: criteria provided, single submitter. Criteria: Invitae Variant Classification Sherloc (09022015). Collection method: clinical testing. Allele origin: germline.
Comment: Algorithms developed to predict the effect of missense changes on protein structure and function (SIFT, PolyPhen-2, Align-GVGD) all suggest that this variant is likely to be disruptive, but these predictions have not been confirmed by published functional studies. In summary, this variant is a novel missense change with uncertain impact on protein function. It has been classified as a Variant of Uncertain Significance. This variant is not present in population databases (ExAC no frequency) and has not been reported in the literature in individuals with a NOTCH1-related disease. This sequence change replaces glutamic acid with lysine at codon 493 of the NOTCH1 protein (p.Glu493Lys). The glutamic acid residue is highly conserved and there is a small physicochemical difference between glutamic acid and lysine.

NM_017617.5(NOTCH1):c.1477G>A (p.Glu493Lys)

Gene: NOTCH1 (notch receptor 1; minus strand). Cytogenetic location: 9q34.3.
Variant type: single nucleotide variant.
Coding change: c.1477G>A on transcript NM_017617.5 (MANE Select); coding-DNA position 1477, G replaced by A.
Protein change: p.Glu493Lys; replaces glutamic acid 493 with lysine.
Molecular consequence: missense variant.
Genome position (GRCh38, 1-based): chr9:136,517,350, C>T on the plus strand (G>A on the coding strand, the complement: NOTCH1 is on the minus strand). VCF-style: chr9-136517350-C-T. GRCh37 (hg19) VCF-style: chr9-139411802-C-T.
Other names: c.1477G>A, p.Glu493Lys (LRG_1122t1); short protein forms E493K.
Identifiers: ClinVar variation 477875 (VCV000477875.8), dbSNP rs1554729862, ClinGen allele CA375562471.
Genomic context (GRCh38, chr9:136,517,350, plus strand): 5'-GGAACTCATTGATCTTGTCCAGGCAGCGGCCATTGTGCAGGCAGGGGCTGCTGGCACACT[C>T]GTCTGTGTTGACCTCGCAGTGCACACCCTCGTAGCCTGTGGGGTGGGGCAACAGTGAGGG-3'
Protein context (NP_060087.3, residues 483-503): EGVHCEVNTD[Glu493Lys]CASSPCLHNG